The following is an entry in ClinVar:

ClinVar aggregate classification (germline): Uncertain significance (1 of 4 stars; one submission).

Submission:

Women's Health and Genetics/Laboratory Corporation of America, LabCorp
Classification: Uncertain significance. Last evaluated: 2026-04-15. Review status: criteria provided, single submitter. Criteria: LabCorp Variant Classification Summary - May 2015. Collection method: clinical testing. Allele origin: germline.
Comment: Variant summary: TNXB c.1244_1258del15 (p.Glu415_Cys419del) results in an in-frame deletion that is predicted to remove five amino acids from the encoded protein. The variant was absent in 191756 control chromosomes. The available data on variant occurrences in the general population are insufficient to allow any conclusion about variant significance. To our knowledge, no occurrence of c.1244_1258del15 in individuals affected with TNXB-related conditions and no experimental evidence demonstrating its impact on protein function have been reported. No submitters have cited clinical-significance assessments for this variant to ClinVar. Based on the evidence outlined above, the variant was classified as uncertain significance.

NM_001365276.2(TNXB):c.1244_1258del (p.Glu415_Cys419del)

Gene: TNXB (tenascin XB; minus strand). Cytogenetic location: 6p21.33.
Variant type: Deletion.
Coding change: c.1244_1258del on transcript NM_001365276.2 (MANE Select); coding-DNA positions 1244 to 1258, 15 bases deleted (AGGACGGCCGCTGCG).
Protein change: p.Glu415_Cys419del.
Genome position (GRCh38, 1-based): chr6:32,096,595-32,096,609, CGCAGCGGCCGTCCT deleted on the plus strand (AGGACGGCCGCTGCG on the coding strand, the reverse complement: TNXB is on the minus strand); deleting any 15 consecutive bases within chr6:32,096,595-32,096,619 gives the same sequence; the c. name uses the placement nearest the transcript's 3' end. VCF-style (leftmost placement, unchanged base first): chr6-32096594-ACGCAGCGGCCGTCCT-A. GRCh37 (hg19) VCF-style: chr6-32064371-ACGCAGCGGCCGTCCT-A.
Other names: c.1244_1258del, p.Glu415_Cys419del (NM_001428335.1, NM_019105.8); c.1244_1258del15 (NM_019105.8).
Identifiers: ClinVar variation 4848537 (VCV004848537.1).